The following is an entry in ClinVar:

NM_015107.3(PHF8):c.2940C>T (p.Thr980=)

Gene: PHF8 (PHD finger protein 8; minus strand). Cytogenetic location: Xp11.22.
Variant type: single nucleotide variant.
Coding change: c.2940C>T on transcript NM_015107.3 (MANE Select); coding-DNA position 2940, C replaced by T.
Protein change: p.Thr980=; no amino-acid change (threonine 980 retained).
Molecular consequence: synonymous variant.
Genome position (GRCh38, 1-based): chrX:53,940,226, G>A on the plus strand (C>T on the coding strand, the complement: PHF8 is on the minus strand). VCF-style: chrX-53940226-G-A. GRCh37 (hg19) VCF-style: chrX-53966659-G-A.
Other names: c.3048C>T, p.Thr1016= (NM_001184896.1); c.2637C>T, p.Thr879= (NM_001184897.2).
Identifiers: ClinVar variation 2660638 (VCV002660638.25), dbSNP rs140302385, ClinGen allele CA10423221.

ClinVar aggregate classification (germline): Likely benign. Review status: criteria provided, multiple submitters, no conflicts (2 of 4 stars). 2 submissions from 2 submitters: Likely benign (2). Last evaluated 2023-10-20.

Allele frequency attached by ClinVar (database versions not stated): TOPMed 0.00003; gnomAD 0.00005; gnomAD exomes 0.00008; ExAC 0.00012; ESP Exome Variant Server 0.00019.
gnomAD v4.1: 86 of 1,191,079 alleles (0.0072%); highest among the groups gnomAD compares: Non-Finnish European, 0.0094%; no homozygotes.

Submissions (2):

Blueprint Genetics
Classification: Likely benign. Last evaluated: 2023-10-20. Review status: criteria provided, single submitter. Criteria: ACMG Guidelines, 2015. Collection method: clinical testing. Allele origin: germline.

CeGaT Center for Human Genetics Tuebingen
Classification: Likely benign. Last evaluated: 2023-02-01. Review status: criteria provided, single submitter. Criteria: CeGaT Center For Human Genetics Tuebingen Variant Classification Criteria Version 2. Collection method: clinical testing. Allele origin: germline. Affected: yes. Observed: 1 variant allele.
Comment: PHF8: BP4, BP7